The following is an entry in ClinVar:

NM_001605.3(AARS1):c.22A>G (p.Ser8Gly)

Gene: AARS1 (alanyl-tRNA synthetase 1; minus strand). Cytogenetic location: 16q22.1.
Variant type: single nucleotide variant.
Coding change: c.22A>G on transcript NM_001605.3 (MANE Select); coding-DNA position 22, A replaced by G.
Protein change: p.Ser8Gly; replaces serine 8 with glycine.
Molecular consequence: missense variant.
Genome position (GRCh38, 1-based): chr16:70,282,742, T>C on the plus strand (A>G on the coding strand, the complement: AARS1 is on the minus strand). VCF-style: chr16-70282742-T-C. GRCh37 (hg19) VCF-style: chr16-70316645-T-C.
Other names: short protein forms S8G.
Identifiers: ClinVar variation 3340304 (VCV003340304.1).
Genomic context (GRCh38, chr16:70,282,742, plus strand): 5'-AGTGAACATACGTATGCTCGTTCCTCTTGAAGAAATCTATAAATCGCTGCCGGATTTCAC[T>C]TGCTGTTAGAGTAGAGTCCATCTTGAAAGTCACCCCAAAGAACTAATCAAAGAAAAAAAA-3'
Protein context (NP_001596.2, residues 1-18): MDSTLTA[Ser8Gly]EIRQRFIDFF

ClinVar aggregate classification (germline): Uncertain significance (1 of 4 stars; one submission).

gnomAD v4.1: 1 of 1,614,124 alleles (0.000062%); highest among the groups gnomAD compares: Non-Finnish European, 0.000085%; no homozygotes.

Submission:

GeneDx
Classification: Uncertain significance. Last evaluated: 2023-11-15. Review status: criteria provided, single submitter. Criteria: GeneDx Variant Classification Process June 2021. Collection method: clinical testing. Allele origin: germline. Affected: yes.
Comment: Not observed at significant frequency in large population cohorts (gnomAD); In silico analysis supports that this missense variant does not alter protein structure/function; Has not been previously published as pathogenic or benign to our knowledge; This variant is associated with the following publications: (PMID: 25817015)